The following is an entry in ClinVar:

ClinVar aggregate classification (germline): Uncertain significance (1 of 4 stars; one submission).

Allele frequency attached by ClinVar (database versions not stated): TOPMed 0.00004; gnomAD 0.00005; ExAC 0.00007; ESP Exome Variant Server 0.00008.
gnomAD v4.1: 57 of 1,614,012 alleles (0.0035%); highest among the groups gnomAD compares: East Asian, 0.0067%; no homozygotes.

Submission:

Labcorp Genetics (formerly Invitae), Labcorp
Classification: Uncertain significance. Last evaluated: 2022-04-07. Review status: criteria provided, single submitter. Criteria: Invitae Variant Classification Sherloc (09022015). Collection method: clinical testing. Allele origin: germline.
Comment: This sequence change replaces valine, which is neutral and non-polar, with isoleucine, which is neutral and non-polar, at codon 187 of the CXCR2 protein (p.Val187Ile). This variant is present in population databases (rs199777583, gnomAD 0.01%). This variant has not been reported in the literature in individuals affected with CXCR2-related conditions. Algorithms developed to predict the effect of missense changes on protein structure and function output the following: SIFT: "Tolerated"; PolyPhen-2: "Benign"; Align-GVGD: "Class C0". The isoleucine amino acid residue is found in multiple mammalian species, which suggests that this missense change does not adversely affect protein function. In summary, the available evidence is currently insufficient to determine the role of this variant in disease. Therefore, it has been classified as a Variant of Uncertain Significance.

NM_001557.4(CXCR2):c.559G>A (p.Val187Ile)

Gene: CXCR2 (C-X-C motif chemokine receptor 2; plus strand). Cytogenetic location: 2q35.
Variant type: single nucleotide variant.
Coding change: c.559G>A on transcript NM_001557.4 (MANE Select); coding-DNA position 559, G replaced by A.
Protein change: p.Val187Ile; replaces valine 187 with isoleucine.
Molecular consequence: missense variant.
Genome position (GRCh38, 1-based): chr2:218,135,360, G>A. VCF-style: chr2-218135360-G-A. GRCh37 (hg19) VCF-style: chr2-219000083-G-A.
Other names: c.559G>A, p.Val187Ile (NM_001168298.2); short protein forms V187I.
Identifiers: ClinVar variation 1981881 (VCV001981881.1), dbSNP rs199777583, ClinGen allele CA2101728.